The following is an entry in ClinVar:

ClinVar aggregate classification (germline): Uncertain significance (1 of 4 stars; one submission).

Submission:

Labcorp Genetics (formerly Invitae), Labcorp
Classification: Uncertain significance. Last evaluated: 2023-09-23. Review status: criteria provided, single submitter. Criteria: Invitae Variant Classification Sherloc (09022015). Collection method: clinical testing. Allele origin: germline.
Comment: This sequence change replaces threonine, which is neutral and polar, with isoleucine, which is neutral and non-polar, at codon 766 of the FCHO1 protein (p.Thr766Ile). In summary, the available evidence is currently insufficient to determine the role of this variant in disease. Therefore, it has been classified as a Variant of Uncertain Significance. An algorithm developed to predict the effect of missense changes on protein structure and function (PolyPhen-2) suggests that this variant is likely to be disruptive. This variant has not been reported in the literature in individuals affected with FCHO1-related conditions. This variant is not present in population databases (gnomAD no frequency).

NM_015122.3(FCHO1):c.2297C>T (p.Thr766Ile)

Gene: FCHO1 (FCH and mu domain containing endocytic adaptor 1; plus strand). Cytogenetic location: 19p13.11.
Variant type: single nucleotide variant.
Coding change: c.2297C>T on transcript NM_015122.3 (MANE Select); coding-DNA position 2297, C replaced by T.
Protein change: p.Thr766Ile; replaces threonine 766 with isoleucine.
Molecular consequence: missense variant. On other transcripts: non-coding transcript variant (35), intron variant (5).
Genome position (GRCh38, 1-based): chr19:17,784,795, C>T. VCF-style: chr19-17784795-C-T. GRCh37 (hg19) VCF-style: chr19-17895604-C-T.
Other names: c.2180C>T, p.Thr727Ile (NM_001384392.1, NM_001384393.1, NM_001384394.1 and 1 more transcripts); c.2297C>T, p.Thr766Ile (NM_001161357.2, NM_001161358.2, NM_001384370.1 and 11 more transcripts); c.2258C>T, p.Thr753Ile (NM_001384389.1, NM_001384388.1); c.2222C>T, p.Thr741Ile (NM_001384390.1); c.2021C>T, p.Thr674Ile (NM_001384396.1, NM_001384397.1, NM_001384398.1 and 4 more transcripts); c.1976C>T, p.Thr659Ile (NM_001384403.1); c.2147C>T, p.Thr716Ile (NM_001161359.2, NM_001384384.1, NM_001384385.1 and 1 more transcripts); c.1950+560C>T (NM_001384404.1); and 5 more; short protein forms T759I, T659I, T716I, T674I, T741I, T753I, T766I, T727I.
Identifiers: ClinVar variation 2762886 (VCV002762886.3), dbSNP rs574454836, ClinGen allele CA404757954.